The following is an entry in ClinVar:

NM_173660.5(DOK7):c.1348del (p.Arg450fs)

Gene: DOK7 (docking protein 7; plus strand). Cytogenetic location: 4p16.3.
Variant type: Deletion.
Coding change: c.1348del on transcript NM_173660.5 (MANE Select); coding-DNA position 1348, one base deleted (A; older notation c.1348delA).
Protein change: p.Arg450fs; shifts the reading frame from arginine 450.
Molecular consequence: frameshift variant. On other transcripts: 3 prime UTR variant (1).
Genome position (GRCh38, 1-based): chr4:3,493,334, A deleted. VCF-style (leftmost placement, unchanged base first): chr4-3493333-GA-G. GRCh37 (hg19) VCF-style: chr4-3495060-GA-G.
Other names: c.*569del (NM_001164673.2); c.418del, p.Arg140fs (NM_001256896.2); c.1348del, p.Arg450fs (NM_001301071.2); c.916del, p.Arg306fs (NM_001363811.2); short protein forms R140fs, R450fs, R306fs.
Identifiers: ClinVar variation 2934129 (VCV002934129.3), dbSNP rs2475116375, ClinGen allele CA2740091108.
Genomic context (GRCh38, chr4:3,493,333, plus strand): 5'-TGCGGCCAGGGACTCAGGCGGCCAGACGTCCGCCGGGTGTCCCTCTGGCTGGCTGGGCAC[GA>G]GACGGCGGGGCCTGGTGATGGAGGCCCCCCAGGGCAGCGAGGCCACACTGCCTGGCCCTG-3'

ClinVar aggregate classification (germline): Pathogenic (1 of 4 stars; one submission).

Conditions:
Fetal akinesia deformation sequence 1 (FADS1). Also called: Fetal akinesia sequence; Pena-Shokeir syndrome type I. Identifiers: Orphanet 994, MedGen C1276035, MONDO:0100101, OMIM 208150, HP:0001989.
Congenital myasthenic syndrome 10. Also called: Myasthenia, limb-girdle, familial. Identifiers: Orphanet 590, MedGen C1850792, MONDO:0009690, OMIM 254300.

Submission:

Labcorp Genetics (formerly Invitae), Labcorp
Classification: Pathogenic for Congenital myasthenic syndrome 10; Fetal akinesia deformation sequence 1. Last evaluated: 2023-08-05. Review status: criteria provided, single submitter. Criteria: Invitae Variant Classification Sherloc (09022015). Collection method: clinical testing. Allele origin: germline.
Comment: This variant disrupts a region of the DOK7 protein in which other variant(s) (p.Pro486Argfs*15) have been determined to be pathogenic (PMID: 29118959). This suggests that this is a clinically significant region of the protein, and that variants that disrupt it are likely to be disease-causing. For these reasons, this variant has been classified as Pathogenic. This variant has not been reported in the literature in individuals affected with DOK7-related conditions. This variant is not present in population databases (gnomAD no frequency). This sequence change creates a premature translational stop signal (p.Arg450Aspfs*6) in the DOK7 gene. While this is not anticipated to result in nonsense mediated decay, it is expected to disrupt the last 55 amino acid(s) of the DOK7 protein.

Literature cited by the submitters: PubMed 29118959.